The following is an entry in ClinVar:

ClinVar aggregate classification (germline): Uncertain significance (1 of 4 stars; one submission).

Submission:

GeneDx
Classification: Uncertain significance. Last evaluated: 2022-10-09. Review status: criteria provided, single submitter. Criteria: GeneDx Variant Classification Process June 2021. Collection method: clinical testing. Allele origin: germline. Affected: yes.
Comment: Not observed at significant frequency in large population cohorts (gnomAD); In silico analysis supports that this missense variant does not alter protein structure/function; Has not been previously published as pathogenic or benign to our knowledge

NM_001098511.3(KIF2A):c.850G>A (p.Ala284Thr)

Gene: KIF2A (kinesin family member 2A; plus strand). Cytogenetic location: 5q12.1.
Variant type: single nucleotide variant.
Coding change: c.850G>A on transcript NM_001098511.3 (MANE Select); coding-DNA position 850, G replaced by A.
Protein change: p.Ala284Thr; replaces alanine 284 with threonine.
Molecular consequence: missense variant.
Genome position (GRCh38, 1-based): chr5:62,358,277, G>A. VCF-style: chr5-62358277-G-A. GRCh37 (hg19) VCF-style: chr5-61654104-G-A.
Other names: c.769G>A, p.Ala257Thr (NM_001243952.2); c.793G>A, p.Ala265Thr (NM_001243953.2); c.850G>A, p.Ala284Thr (NM_004520.5); short protein forms A257T, A265T, A284T.
Identifiers: ClinVar variation 2497920 (VCV002497920.1), dbSNP rs2531344728, ClinGen allele CA359950103.